The following is an entry in ClinVar:

NM_002894.3(RBBP8):c.296T>C (p.Met99Thr)

Gene: RBBP8 (RB binding protein 8, endonuclease; plus strand). Cytogenetic location: 18q11.2.
Variant type: single nucleotide variant.
Coding change: c.296T>C on transcript NM_002894.3 (MANE Select); coding-DNA position 296, T replaced by C.
Protein change: p.Met99Thr; replaces methionine 99 with threonine.
Molecular consequence: missense variant.
Genome position (GRCh38, 1-based): chr18:22,968,853, T>C. VCF-style: chr18-22968853-T-C. GRCh37 (hg19) VCF-style: chr18-20548816-T-C.
Other names: c.296T>C, p.Met99Thr (NM_203291.2, NM_203292.2); short protein forms M99T.
Identifiers: ClinVar variation 2155196 (VCV002155196.4), dbSNP rs768809946, ClinGen allele CA8909771.
Genomic context (GRCh38, chr18:22,968,853, plus strand): 5'-TTTTGTTTCATAGGTTAAGAGCAGGCTTATGTGATCGCTGTGCAGTAACTGAAGAACATA[T>C]GCGGAAAAAACAGCAAGAGTTTGAAAATATCCGGCAGCAGAATCTTAAACTTATTACAGA-3'
Protein context (NP_002885.1, residues 89-109): CDRCAVTEEH[Met99Thr]RKKQQEFENI

ClinVar aggregate classification (germline): Uncertain significance (1 of 4 stars; one submission).

Allele frequency attached by ClinVar (database versions not stated): TOPMed below 0.00001; ExAC 0.00003.
gnomAD v4.1: 9 of 1,613,636 alleles (0.00056%); highest among the groups gnomAD compares: East Asian, 0.0089%; no homozygotes.

Submission:

Labcorp Genetics (formerly Invitae), Labcorp
Classification: Uncertain significance. Last evaluated: 2023-08-17. Review status: criteria provided, single submitter. Criteria: Invitae Variant Classification Sherloc (09022015). Collection method: clinical testing. Allele origin: germline.
Comment: In summary, the available evidence is currently insufficient to determine the role of this variant in disease. Therefore, it has been classified as a Variant of Uncertain Significance. Advanced modeling of protein sequence and biophysical properties (such as structural, functional, and spatial information, amino acid conservation, physicochemical variation, residue mobility, and thermodynamic stability) performed at Invitae indicates that this missense variant is expected to disrupt RBBP8 protein function. ClinVar contains an entry for this variant (Variation ID: 2155196). This variant has not been reported in the literature in individuals affected with RBBP8-related conditions. This variant is present in population databases (rs768809946, gnomAD 0.01%). This sequence change replaces methionine, which is neutral and non-polar, with threonine, which is neutral and polar, at codon 99 of the RBBP8 protein (p.Met99Thr).